The following is an entry in ClinVar:

NM_004329.3(BMPR1A):c.899G>T (p.Gly300Val)

Gene: BMPR1A (bone morphogenetic protein receptor type 1A; plus strand). Cytogenetic location: 10q23.2.
Variant type: single nucleotide variant.
Coding change: c.899G>T on transcript NM_004329.3 (MANE Select); coding-DNA position 899, G replaced by T.
Protein change: p.Gly300Val; replaces glycine 300 with valine.
Molecular consequence: missense variant. On other transcripts: non-coding transcript variant (3).
Genome position (GRCh38, 1-based): chr10:86,919,202, G>T. VCF-style: chr10-86919202-G-T. GRCh37 (hg19) VCF-style: chr10-88678959-G-T.
Other names: c.974G>T, p.Gly325Val (NM_001406559.1); c.947G>T, p.Gly316Val (NM_001406560.1); c.899G>T, p.Gly300Val (NM_001406561.1, NM_001406562.1, NM_001406563.1 and 19 more transcripts); c.815G>T, p.Gly272Val (NM_001406588.1, NM_001406584.1, NM_001406585.1 and 2 more transcripts); c.557G>T, p.Gly186Val (NM_001406589.1); c.893G>T, p.Gly298Val (NM_001406583.1); short protein forms G300V, G298V, G186V, G272V, G316V, G325V.
Identifiers: ClinVar variation 4623358 (VCV004623358.2).

ClinVar aggregate classification (germline): Uncertain significance (1 of 4 stars; one submission).

Conditions:
Hereditary cancer-predisposing syndrome. Also called: Neoplastic Syndromes, Hereditary; Tumor predisposition; Hereditary Cancer Syndrome; Hereditary neoplastic syndrome. Identifiers: Orphanet 140162, MedGen C0027672, MeSH D009386, MONDO:0015356.

Submission:

Ambry Genetics
Classification: Uncertain significance for Hereditary cancer-predisposing syndrome. Last evaluated: 2026-07-29. Review status: criteria provided, single submitter. Criteria: Ambry Variant Classification Scheme 2023. Collection method: clinical testing. Allele origin: germline.
Comment: The p.G300V variant (also known as c.899G>T), located in coding exon 8 of the BMPR1A gene, results from a G to T substitution at nucleotide position 899. The glycine at codon 300 is replaced by valine, an amino acid with dissimilar properties. This amino acid position is highly conserved in available vertebrate species. In addition, this alteration is predicted to be deleterious by in silico analysis. Based on the available evidence, the clinical significance of this variant remains unclear.